The following is an entry in ClinVar:

ClinVar aggregate classification (germline): Likely pathogenic (1 of 4 stars; one submission).

Conditions:
X-linked Opitz G/BBB syndrome (GBBB). Also called: OPITZ BBBG SYNDROME, TYPE I; OPITZ SYNDROME, X-LINKED; OPITZ-G SYNDROME, TYPE I; Opitz-Frias syndrome; MID1-Related Opitz G/BBB Syndrome. Identifiers: Orphanet 2745, MedGen C2936904, MONDO:0010222, OMIM 300000.

Submission:

3billion
Classification: Likely pathogenic for X-linked Opitz G/BBB syndrome. Last evaluated: 2022-01-03. Review status: criteria provided, single submitter. Criteria: ACMG Guidelines, 2015. Collection method: clinical testing. Allele origin: germline. Affected: yes. Observed: 1 hemizygote.
Comment: Stop-gained (nonsense): predicted to result in a loss or disruption of normal protein function through nonsense-mediated decay (NMD) or protein truncation. Multiple pathogenic variants are reported downstream of the variant (PVS1_VS). It is not observed in the gnomAD v2.1.1 dataset (PM2_M). Therefore, this variant is classified as likely pathogenic according to the recommendation of ACMG/AMP guideline.

NM_000381.4(MID1):c.1310G>A (p.Trp437Ter)

Gene: MID1 (midline 1; minus strand). Cytogenetic location: Xp22.2.
Variant type: single nucleotide variant.
Coding change: c.1310G>A on transcript NM_000381.4 (MANE Select); coding-DNA position 1310, G replaced by A.
Protein change: p.Trp437Ter; replaces tryptophan 437 with a stop codon.
Molecular consequence: nonsense.
Genome position (GRCh38, 1-based): chrX:10,459,783, C>T on the plus strand (G>A on the coding strand, the complement: MID1 is on the minus strand). VCF-style: chrX-10459783-C-T. GRCh37 (hg19) VCF-style: chrX-10427823-C-T.
Other names: c.1310G>A, p.Trp437Ter (NM_001098624.2, NM_001193277.1, NM_001347733.2 and 1 more transcripts); c.1196G>A, p.Trp399Ter (NM_033289.2); short protein forms W399*, W437*.
Identifiers: ClinVar variation 1333357 (VCV001333357.1), dbSNP rs2147266860, ClinGen allele CA412051371.